The following is an entry in ClinVar:

ClinVar aggregate classification (germline): Uncertain significance (1 of 4 stars; one submission).

Submission:

Labcorp Genetics (formerly Invitae), Labcorp
Classification: Uncertain significance. Last evaluated: 2024-02-22. Review status: criteria provided, single submitter. Criteria: Invitae Variant Classification Sherloc (09022015). Collection method: clinical testing. Allele origin: germline.
Comment: This sequence change replaces glycine, which is neutral and non-polar, with arginine, which is basic and polar, at codon 41 of the ROBO1 protein (p.Gly41Arg). This variant is not present in population databases (gnomAD no frequency). This variant has not been reported in the literature in individuals affected with ROBO1-related conditions. Advanced modeling of protein sequence and biophysical properties (such as structural, functional, and spatial information, amino acid conservation, physicochemical variation, residue mobility, and thermodynamic stability) performed at Invitae indicates that this missense variant is not expected to disrupt ROBO1 protein function with a negative predictive value of 95%. In summary, the available evidence is currently insufficient to determine the role of this variant in disease. Therefore, it has been classified as a Variant of Uncertain Significance.

NM_002941.4(ROBO1):c.121G>A (p.Gly41Arg)

Gene: ROBO1 (roundabout guidance receptor 1; minus strand). Cytogenetic location: 3p12.3.
Variant type: single nucleotide variant.
Coding change: c.121G>A on transcript NM_002941.4 (MANE Select); coding-DNA position 121, G replaced by A.
Protein change: p.Gly41Arg; replaces glycine 41 with arginine.
Molecular consequence: missense variant.
Genome position (GRCh38, 1-based): chr3:79,125,507, C>T on the plus strand (G>A on the coding strand, the complement: ROBO1 is on the minus strand). VCF-style: chr3-79125507-C-T. GRCh37 (hg19) VCF-style: chr3-79174657-C-T.
Other names: short protein forms G41R.
Identifiers: ClinVar variation 2710157 (VCV002710157.3), dbSNP rs200733765, ClinGen allele CA353683909.
Genomic context (GRCh38, chr3:79,125,507, plus strand): 5'-ACACTCTACCTGTATAGCCCAGCGAATTGTCATCGTTATCAGAGGTGGGGATTGGCGTCC[C>T]GTGGTCGTTCCCCCTCTCTACATCTTCAGGGTCTGTCGGAAACAACACCAGAGCTGCTGA-3'
Protein context (NP_002932.1, residues 31-51): PEDVERGNDH[Gly41Arg]TPIPTSDNDD